The following is an entry in ClinVar:

NM_000475.5(NR0B1):c.1094T>C (p.Leu365Pro)

Gene: NR0B1 (nuclear receptor subfamily 0 group B member 1; minus strand). Cytogenetic location: Xp21.2.
Variant type: single nucleotide variant.
Coding change: c.1094T>C on transcript NM_000475.5 (MANE Select); coding-DNA position 1094, T replaced by C.
Protein change: p.Leu365Pro; replaces leucine 365 with proline.
Molecular consequence: missense variant.
Genome position (GRCh38, 1-based): chrX:30,308,270, A>G on the plus strand (T>C on the coding strand, the complement: NR0B1 is on the minus strand). VCF-style: chrX-30308270-A-G. GRCh37 (hg19) VCF-style: chrX-30326387-A-G.
Other names: short protein forms L365P.
Identifiers: ClinVar variation 36664 (VCV000036664.3), dbSNP rs386134262, ClinGen allele CA260497.

ClinVar aggregate classification (germline): Likely pathogenic (1 of 4 stars; one submission).

Conditions:
Congenital adrenal hypoplasia, X-linked (AHC). Also called: Isolated X-Linked Adrenal Hypoplasia Congenita; X-linked AHC; ADRENAL HYPOPLASIA, CONGENITAL, WITH HYPOGONADOTROPIC HYPOGONADISM; X-Linked Adrenal Hypoplasia Congenita. Identifiers: Orphanet 95702, MedGen C0342482, MONDO:0010264, OMIM 300200. Disease mechanism: loss of function.

Submission:

Women's Health and Genetics/Laboratory Corporation of America, LabCorp
Classification: Likely pathogenic for X-linked Adrenal Hypoplasia Congenita. Last evaluated: 2011-08-18. Review status: criteria provided, single submitter. Criteria: LabCorp Variant Classification Summary - May 2015. Collection method: curation, clinical testing. Allele origin: germline. Inheritance: Xlinked unknown. Affected: yes.
ClinVar note: Converted during submission from likely pathogenic to Likely pathogenic.